The following is an entry in ClinVar:

ClinVar aggregate classification (germline): Uncertain significance (1 of 4 stars; one submission).

Conditions:
Anauxetic dysplasia. Identifiers: Orphanet 93347, MedGen C1846796, MONDO:0011773.

Allele frequency attached by ClinVar (database versions not stated): gnomAD exomes below 0.00001 and 0.00001; TOPMed below 0.00001; gnomAD 0.00001.
gnomAD v4.1: 4 of 700,316 alleles (0.00057%); highest among the groups gnomAD compares: Admixed American, 0.002%; no homozygotes.

Submission:

Labcorp Genetics (formerly Invitae), Labcorp
Classification: Uncertain significance for Anauxetic dysplasia. Last evaluated: 2021-03-13. Review status: criteria provided, single submitter. Criteria: Invitae Variant Classification Sherloc (09022015). Collection method: clinical testing. Allele origin: germline.
Comment: This variant occurs in the RMRP gene, which encodes an RNA molecule that does not result in a protein product. The frequency data for this variant in the population databases is considered unreliable, as metrics indicate insufficient coverage at this position in the ExAC database. This variant has not been reported in the literature in individuals with RMRP-related conditions. Experimental studies and prediction algorithms are not available or were not evaluated, and the functional significance of this variant is currently unknown. In summary, the available evidence is currently insufficient to determine the role of this variant in disease. Therefore, it has been classified as a Variant of Uncertain Significance.

NC_000009.12:g.35657951C>T

Gene: RMRP (RNA component of mitochondrial RNA processing endoribonuclease; minus strand). Cytogenetic location: 9p13.3.
Variant type: single nucleotide variant.
Genome position: GRCh38 VCF-style: chr9-35657951-C-T. GRCh37 (hg19) VCF-style: chr9-35657948-C-T.
Identifiers: ClinVar variation 1501608 (VCV001501608.9), dbSNP rs1245480029, ClinGen allele CA464450886.
Genomic context (GRCh38, chr9:35,657,951, plus strand): 5'-CGGGGAATGTCTACGTGCGTATGCACGTGGCACTCTCTGCCCGAGGTCCGGGGACTTTCC[C>T]CTAGGCGGAAAGGGGAGGAACAGAGTCCTCAGTGTGTAGCCTAGGATACAGGCCTTCAGC-3'